The following is an entry in ClinVar:

ClinVar aggregate classification (germline): Uncertain significance. Review status: criteria provided, multiple submitters, no conflicts (2 of 4 stars). 2 submissions from 2 submitters: Uncertain significance (2). Last evaluated 2022-06-22.

Conditions:
Phenylketonuria (PKU). Also called: FOLLING DISEASE; Phenylketonurias; Phenylketonuria (PKU); OLIGOPHRENIA PHENYLPYRUVICA. Identifiers: Orphanet 716, MedGen C0031485, MONDO:0009861, OMIM 261600. Disease mechanism: loss of function.

Allele frequency attached by ClinVar (database versions not stated): gnomAD 0.00001; ExAC 0.00001; gnomAD exomes 0.00003.
gnomAD v4.1: 42 of 1,613,584 alleles (0.0026%); highest among the groups gnomAD compares: Non-Finnish European, 0.0034%; no homozygotes.

Submissions (2):

Labcorp Genetics (formerly Invitae), Labcorp
Classification: Uncertain significance for Phenylketonuria. Last evaluated: 2022-06-22. Review status: criteria provided, single submitter. Criteria: Invitae Variant Classification Sherloc (09022015). Collection method: clinical testing. Allele origin: germline.
Comment: This sequence change replaces arginine, which is basic and polar, with histidine, which is basic and polar, at codon 86 of the PAH protein (p.Arg86His). This variant is present in population databases (rs746603180, gnomAD 0.0009%). This variant has not been reported in the literature in individuals affected with PAH-related conditions. Algorithms developed to predict the effect of missense changes on protein structure and function output the following: SIFT: "Deleterious"; PolyPhen-2: "Benign"; Align-GVGD: "Class C0". The histidine amino acid residue is found in multiple mammalian species, which suggests that this missense change does not adversely affect protein function. In summary, the available evidence is currently insufficient to determine the role of this variant in disease. Therefore, it has been classified as a Variant of Uncertain Significance.

Department of Pathology and Laboratory Medicine, Sinai Health System
Classification: Uncertain significance for Phenylketonuria. Last evaluated: 2021-12-23. Review status: criteria provided, single submitter. Criteria: ACMG Guidelines, 2015. Collection method: research. Allele origin: germline.

NM_000277.3(PAH):c.257G>A (p.Arg86His)

Gene: PAH (phenylalanine hydroxylase; minus strand). Cytogenetic location: 12q23.2.
Variant type: single nucleotide variant.
Coding change: c.257G>A on transcript NM_000277.3 (MANE Select); coding-DNA position 257, G replaced by A.
Protein change: p.Arg86His; replaces arginine 86 with histidine.
Molecular consequence: missense variant.
Genome position (GRCh38, 1-based): chr12:102,894,830, C>T on the plus strand (G>A on the coding strand, the complement: PAH is on the minus strand). VCF-style: chr12-102894830-C-T. GRCh37 (hg19) VCF-style: chr12-103288608-C-T.
Other names: c.257G>A, p.Arg86His (NM_001354304.2); short protein forms R86H.
Identifiers: ClinVar variation 1990037 (VCV001990037.2), dbSNP rs746603180, ClinGen allele CA6748989.